The following is an entry in ClinVar:

NM_206933.4(USH2A):c.1979_1980insGGCTTTAAAAGCAGATGCTGAGAGAACACCTGGGATCTGAGGCTGCCTCAAAAGGCNNNNNNNNNNGCAAGCATCTGACAGCCTGGAACAGAACCCTGCACCCGCGAGTGAGGATCAGACAGCCTGGAGCAGCACCC (p.Gly660_Gln661insAlaLeuLysAlaAspAlaGluArgThrProGlyIleTer)

Gene: USH2A (usherin; minus strand). Cytogenetic location: 1q41.
Variant type: Insertion.
Coding change: c.1979_1980insGGCTTTAAAAGCAGATGCTGAGAGAACACCTGGGATCTGAGGCTGCCTCAAAAGGCNNNNNNNNNNGCAAGCATCTGACAGCCTGGAACAGAACCCTGCACCCGCGAGTGAGGATCAGACAGCCTGGAGCAGCACCC on transcript NM_206933.4 (MANE Select); coding-DNA positions 1979 to 1980, GGCTTTAAAAGCAGATGCTGAGAGAACACCTGGGATCTGAGGCTGCCTCAAAAGGCNNNNNNNNNNGCAAGCATCTGACAGCCTGGAACAGAACCCTGCACCCGCGAGTGAGGATCAGACAGCCTGGAGCAGCACCC inserted.
Protein change: p.Gly660_Gln661insAlaLeuLysAlaAspAlaGluArgThrProGlyIleTer.
Molecular consequence: nonsense, inframe insertion.
Genome position: GRCh38: chr1:216,251,090-216,251,091. GRCh37 (hg19): chr1:216,424,432-216,424,433.
Other names: c.1979_1980insGGCTTTAAAAGCAGATGCTGAGAGAACACCTGGGATCTGAGGCTGCCTCAAAAGGCNNNNNNNNNNGCAAGCATCTGACAGCCTGGAACAGAACCCTGCACCCGCGAGTGAGGATCAGACAGCCTGGAGCAGCACCC, p.Gly660_Gln661insAlaLeuLysAlaAspAlaGluArgThrProGlyIleTer (NM_007123.6).
Identifiers: ClinVar variation 2036693 (VCV002036693.4), dbSNP rs2528172138.

ClinVar aggregate classification (germline): Pathogenic (1 of 4 stars; one submission).

Submission:

Labcorp Genetics (formerly Invitae), Labcorp
Classification: Pathogenic. Last evaluated: 2022-10-24. Review status: criteria provided, single submitter. Criteria: Invitae Variant Classification Sherloc (09022015). Collection method: clinical testing. Allele origin: germline.
Comment: For these reasons, this variant has been classified as Pathogenic. Retrotransposon insertions including LINE1 (L1), Alu, and SVA (SINE-VNTR-Alu) have been reported to be disease-causing through disruption of either a coding region or splice site (PMID: 19763152, 20307669, 22406018) and loss-of-function variants in USH2A are known to be pathogenic (PMID: 10729113, 10909849, 20507924, 25649381). Algorithms developed to predict the effect of sequence changes on RNA splicing suggest that this variant may disrupt the consensus splice site. This variant has not been reported in the literature in individuals affected with USH2A-related conditions. This variant is not present in population databases (gnomAD no frequency). This sequence change inserts a large fragment of DNA in exon 12 of the USH2A gene (c.1979_1980ins?) causing a frameshift at codon 660 (p.Gly660fs). The exact size and sequence of the insertion cannot be determined by the current assay. However, the insertion is expected to result in an absent or disrupted protein product.

Literature cited by the submitters: PubMed 19763152; PubMed 20307669; PubMed 22406018; PubMed 10729113; PubMed 10909849; PubMed 20507924; PubMed 25649381.